The following is an entry in ClinVar:

NM_006767.4(LZTR1):c.548A>G (p.Tyr183Cys)

Gene: LZTR1 (leucine zipper like post translational regulator 1; plus strand). Cytogenetic location: 22q11.21.
Variant type: single nucleotide variant.
Coding change: c.548A>G on transcript NM_006767.4 (MANE Select); coding-DNA position 548, A replaced by G.
Protein change: p.Tyr183Cys; replaces tyrosine 183 with cysteine.
Molecular consequence: missense variant.
Genome position (GRCh38, 1-based): chr22:20,988,827, A>G. VCF-style: chr22-20988827-A-G. GRCh37 (hg19) VCF-style: chr22-21343116-A-G.
Other names: short protein forms Y183C.
Identifiers: ClinVar variation 4101817 (VCV004101817.2).

ClinVar aggregate classification (germline): Uncertain significance. Review status: criteria provided, multiple submitters, no conflicts (2 of 4 stars). 2 submissions from 2 submitters: Uncertain significance (2). Last evaluated 2025-08-25.

Conditions:
Cardiovascular phenotype. Identifiers: MedGen CN230736.
Hereditary cancer-predisposing syndrome. Also called: Tumor predisposition; Neoplastic Syndromes, Hereditary; Hereditary neoplastic syndrome; Hereditary Cancer Syndrome. Identifiers: Orphanet 140162, MedGen C0027672, MeSH D009386, MONDO:0015356.

gnomAD v4.1: 2 of 1,614,088 alleles (0.00012%); highest among the groups gnomAD compares: Non-Finnish European, 0.00017%; no homozygotes.

Submissions (2):

Labcorp Genetics (formerly Invitae), Labcorp
Classification: Uncertain significance. Last evaluated: 2025-08-25. Review status: criteria provided, single submitter. Criteria: Invitae Variant Classification Sherloc (09022015). Collection method: clinical testing. Allele origin: germline.
Comment: This sequence change replaces tyrosine, which is neutral and polar, with cysteine, which is neutral and slightly polar, at codon 183 of the LZTR1 protein (p.Tyr183Cys). This variant is not present in population databases (gnomAD no frequency). This variant has not been reported in the literature in individuals affected with LZTR1-related conditions. Invitae Evidence Modeling of protein sequence and biophysical properties (such as structural, functional, and spatial information, amino acid conservation, physicochemical variation, residue mobility, and thermodynamic stability) indicates that this missense variant is not expected to disrupt LZTR1 protein function with a negative predictive value of 80%. In summary, the available evidence is currently insufficient to determine the role of this variant in disease. Therefore, it has been classified as a Variant of Uncertain Significance.

Ambry Genetics
Classification: Uncertain significance for Cardiovascular phenotype; Hereditary cancer-predisposing syndrome. Last evaluated: 2025-06-26. Review status: criteria provided, single submitter. Criteria: Ambry Variant Classification Scheme 2023. Collection method: clinical testing. Allele origin: germline.
Comment: The p.Y183C variant (also known as c.548A>G), located in coding exon 6 of the LZTR1 gene, results from an A to G substitution at nucleotide position 548. The tyrosine at codon 183 is replaced by cysteine, an amino acid with highly dissimilar properties. This amino acid position is conserved. In addition, this alteration is predicted to be deleterious by in silico analysis. Based on the available evidence, the clinical significance of this variant remains unclear.